The following is an entry in ClinVar:

ClinVar aggregate classification (germline): Likely benign. Review status: criteria provided, multiple submitters, no conflicts (2 of 4 stars). 2 submissions from 2 submitters: Likely benign (2). Last evaluated 2024-08-20.

Conditions:
Frontotemporal dementia and/or amyotrophic lateral sclerosis 7 (FTDALS7). Also called: Amyotrophic lateral sclerosis 17; CHMP2B-Related Frontotemporal Dementia-Amyotrophic Lateral Sclerosis; AMYOTROPHIC LATERAL SCLEROSIS, CHMP2B-RELATED; CHMP2B-related frontotemporal dementia. Identifiers: Orphanet 275864, Orphanet 282, Orphanet 803, MedGen C1833296, MONDO:0010936, OMIM 600795.
CHMP2B-related disorder. Also called: CHMP2B-related condition.

Allele frequency attached by ClinVar (database versions not stated): gnomAD 0.00006; TOPMed 0.00006; ExAC 0.00008; gnomAD exomes 0.00008 and 0.00013; ESP Exome Variant Server 0.00015.
gnomAD v4.1: 171 of 1,422,294 alleles (0.012%); highest among the groups gnomAD compares: Non-Finnish European, 0.015%; no homozygotes.

Submissions (2):

Labcorp Genetics (formerly Invitae), Labcorp
Classification: Likely benign for Frontotemporal dementia and/or amyotrophic lateral sclerosis 7. Last evaluated: 2024-08-20. Review status: criteria provided, single submitter. Criteria: Invitae Variant Classification Sherloc (09022015). Collection method: clinical testing. Allele origin: germline.

PreventionGenetics, part of Exact Sciences
Classification: Likely benign for CHMP2B-related condition. Last evaluated: 2022-10-18. Review status: criteria provided, single submitter. Criteria: ACMG Guidelines, 2015. Collection method: clinical testing. Allele origin: germline.
Comment: This variant is classified as likely benign based on ACMG/AMP sequence variant interpretation guidelines (Richards et al. 2015 PMID: 25741868, with internal and published modifications).

NM_014043.4(CHMP2B):c.424+10A>G

Gene: CHMP2B (charged multivesicular body protein 2B; plus strand). Cytogenetic location: 3p11.2.
Variant type: single nucleotide variant.
Coding change: c.424+10A>G on transcript NM_014043.4 (MANE Select); 10 bases into the intron after coding-DNA position 424, A replaced by G.
Molecular consequence: intron variant.
Genome position (GRCh38, 1-based): chr3:87,249,987, A>G. VCF-style: chr3-87249987-A-G. GRCh37 (hg19) VCF-style: chr3-87299137-A-G.
Other names: c.424+10A>G (NM_014043.3); c.301+10A>G (NM_001244644.2).
Identifiers: ClinVar variation 1157453 (VCV001157453.8), dbSNP rs375906390, ClinGen allele CA2500984.
Genomic context (GRCh38, chr3:87,249,987, plus strand): 5'-TGCAGAATTTCCAGAAGGAAAACATGAAAATGGAAATGACTGAAGAAATGAGTAAGTTTA[A>G]TAAATTATAATGAAATTTATAGTTTTCTCATCTTTGAATTAGCCATTTATTTACTATGTC-3'